The following is an entry in ClinVar:

NM_024422.6(DSC2):c.668C>T (p.Pro223Leu)

Gene: DSC2 (desmocollin 2; minus strand). Cytogenetic location: 18q12.1.
Variant type: single nucleotide variant.
Coding change: c.668C>T on transcript NM_024422.6 (MANE Select); coding-DNA position 668, C replaced by T.
Protein change: p.Pro223Leu; replaces proline 223 with leucine.
Molecular consequence: missense variant.
Genome position (GRCh38, 1-based): chr18:31,087,776, G>A on the plus strand (C>T on the coding strand, the complement: DSC2 is on the minus strand). VCF-style: chr18-31087776-G-A. GRCh37 (hg19) VCF-style: chr18-28667739-G-A.
Other names: c.239C>T, p.Pro80Leu (NM_001406506.1, NM_001406507.1); c.668C>T, p.Pro223Leu (NM_004949.5); short protein forms P80L, P223L.
Identifiers: ClinVar variation 3683375 (VCV003683375.2).
Genomic context (GRCh38, chr18:31,087,776, plus strand): 5'-AAAATTGGGTAGTTATCATTTTCATCCTCTATTTTGATTATTAGGGGCAGTGGAAGTTCT[G>A]GAGTATACCCATCTGGAGTTGTTGCAAAGGCAATTATCTGTGAAGAGAGTAAAATAAGGA-3'
Protein context (NP_077740.1, residues 213-233): AFATTPDGYT[Pro223Leu]ELPLPLIIKI

ClinVar aggregate classification (germline): Uncertain significance (1 of 4 stars; one submission).

Conditions:
Arrhythmogenic right ventricular dysplasia 11. Also called: ARRHYTHMOGENIC RIGHT VENTRICULAR DYSPLASIA, FAMILIAL, 11; Arrhythmogenic Right Ventricular Dysplasia/Cardiomyopathy11; Arrhythmogenic right ventricular dysplasia 11 with mild palmoplantar keratoderma and woolly hair. Identifiers: MedGen C1864850, MONDO:0012506, OMIM 610476.

Submission:

Labcorp Genetics (formerly Invitae), Labcorp
Classification: Uncertain significance for Arrhythmogenic right ventricular dysplasia 11. Last evaluated: 2024-08-28. Review status: criteria provided, single submitter. Criteria: Invitae Variant Classification Sherloc (09022015). Collection method: clinical testing. Allele origin: germline.
Comment: This sequence change replaces proline, which is neutral and non-polar, with leucine, which is neutral and non-polar, at codon 223 of the DSC2 protein (p.Pro223Leu). This variant is not present in population databases (gnomAD no frequency). This variant has not been reported in the literature in individuals affected with DSC2-related conditions. Invitae Evidence Modeling of protein sequence and biophysical properties (such as structural, functional, and spatial information, amino acid conservation, physicochemical variation, residue mobility, and thermodynamic stability) indicates that this missense variant is not expected to disrupt DSC2 protein function with a negative predictive value of 80%. In summary, the available evidence is currently insufficient to determine the role of this variant in disease. Therefore, it has been classified as a Variant of Uncertain Significance.